The following is an entry in ClinVar:

NM_012448.4(STAT5B):c.1759C>G (p.Pro587Ala)

Gene: STAT5B (signal transducer and activator of transcription 5B; minus strand). Cytogenetic location: 17q21.2.
Variant type: single nucleotide variant.
Coding change: c.1759C>G on transcript NM_012448.4 (MANE Select); coding-DNA position 1759, C replaced by G.
Protein change: p.Pro587Ala; replaces proline 587 with alanine.
Molecular consequence: missense variant.
Genome position (GRCh38, 1-based): chr17:42,210,419, G>C on the plus strand (C>G on the coding strand, the complement: STAT5B is on the minus strand). VCF-style: chr17-42210419-G-C. GRCh37 (hg19) VCF-style: chr17-40362437-G-C.
Other names: short protein forms P587A.
Identifiers: ClinVar variation 4804968 (VCV004804968.1).

ClinVar aggregate classification (germline): Uncertain significance (1 of 4 stars; one submission).

Conditions:
Growth hormone insensitivity with immune dysregulation 1, autosomal recessive. Also called: GROWTH HORMONE INSENSITIVITY DUE TO POSTRECEPTOR DEFECT; LARON SYNDROME DUE TO POSTRECEPTOR DEFECT; Laron syndrome with immunodeficiency; GROWTH HORMONE INSENSITIVITY SYNDROME WITH IMMUNE DYSREGULATION 1, AUTOSOMAL RECESSIVE. Identifiers: Orphanet 220465, MedGen C5435698, MONDO:0100211, OMIM 245590.

Submission:

Labcorp Genetics (formerly Invitae), Labcorp
Classification: Uncertain significance for Growth hormone insensitivity with immune dysregulation 1, autosomal recessive. Last evaluated: 2025-09-16. Review status: criteria provided, single submitter. Criteria: Invitae Variant Classification Sherloc (09022015). Collection method: clinical testing. Allele origin: germline.
Comment: This sequence change replaces proline, which is neutral and non-polar, with alanine, which is neutral and non-polar, at codon 587 of the STAT5B protein (p.Pro587Ala). This variant is not present in population databases (gnomAD no frequency). This variant has not been reported in the literature in individuals affected with STAT5B-related conditions. Invitae Evidence Modeling of protein sequence and biophysical properties (such as structural, functional, and spatial information, amino acid conservation, physicochemical variation, residue mobility, and thermodynamic stability) indicates that this missense variant is not expected to disrupt STAT5B protein function with a negative predictive value of 80%. In summary, the available evidence is currently insufficient to determine the role of this variant in disease. Therefore, it has been classified as a Variant of Uncertain Significance.